The following is an entry in ClinVar:

ClinVar aggregate classification (germline): Uncertain significance (1 of 4 stars; one submission).

Conditions:
Intellectual developmental disorder, autosomal dominant 1. Also called: MBD5 Haploinsufficiency; Intellectual disability, autosomal dominant 1. Identifiers: Orphanet 228402, MedGen C1969562, MONDO:0007974, OMIM 156200.

Submission:

Labcorp Genetics (formerly Invitae), Labcorp
Classification: Uncertain significance for Intellectual developmental disorder, autosomal dominant 1. Last evaluated: 2024-07-11. Review status: criteria provided, single submitter. Criteria: Invitae Variant Classification Sherloc (09022015). Collection method: clinical testing. Allele origin: germline.
Comment: This sequence change replaces histidine, which is basic and polar, with tyrosine, which is neutral and polar, at codon 416 of the MBD5 protein (p.His416Tyr). This variant is not present in population databases (gnomAD no frequency). This variant has not been reported in the literature in individuals affected with MBD5-related conditions. Advanced modeling of protein sequence and biophysical properties (such as structural, functional, and spatial information, amino acid conservation, physicochemical variation, residue mobility, and thermodynamic stability) performed at Invitae indicates that this missense variant is not expected to disrupt MBD5 protein function with a negative predictive value of 80%. In summary, the available evidence is currently insufficient to determine the role of this variant in disease. Therefore, it has been classified as a Variant of Uncertain Significance.

NM_001378120.1(MBD5):c.1246C>T (p.His416Tyr)

Gene: MBD5 (methyl-CpG binding domain protein 5; plus strand). Cytogenetic location: 2q23.1.
Variant type: single nucleotide variant.
Coding change: c.1246C>T on transcript NM_001378120.1 (MANE Select); coding-DNA position 1246, C replaced by T.
Protein change: p.His416Tyr; replaces histidine 416 with tyrosine.
Molecular consequence: missense variant.
Genome position (GRCh38, 1-based): chr2:148,469,189, C>T. VCF-style: chr2-148469189-C-T. GRCh37 (hg19) VCF-style: chr2-149226758-C-T.
Other names: c.1246C>T, p.His416Tyr (NM_018328.5); short protein forms H416Y.
Identifiers: ClinVar variation 3646147 (VCV003646147.2).